The following is an entry in ClinVar:

ClinVar aggregate classification (germline): Uncertain significance (1 of 4 stars; one submission).

Allele frequency attached by ClinVar (database versions not stated): ExAC 0.00001; gnomAD exomes 0.00001; TOPMed 0.00003.

Submission:

Labcorp Genetics (formerly Invitae), Labcorp
Classification: Uncertain significance. Last evaluated: 2025-05-14. Review status: criteria provided, single submitter. Criteria: Invitae Variant Classification Sherloc (09022015). Collection method: clinical testing. Allele origin: germline.
Comment: This variant, c.8895_8897del, results in the deletion of 1 amino acid(s) of the KMT2A protein (p.Thr2966del), but otherwise preserves the integrity of the reading frame. This variant is present in population databases (rs782624653, gnomAD 0.009%). This variant has not been reported in the literature in individuals affected with KMT2A-related conditions. ClinVar contains an entry for this variant (Variation ID: 2956379). Experimental studies and prediction algorithms are not available or were not evaluated, and the functional significance of this variant is currently unknown. In summary, the available evidence is currently insufficient to determine the role of this variant in disease. Therefore, it has been classified as a Variant of Uncertain Significance.

NM_001197104.2(KMT2A):c.8895_8897del (p.Thr2966del)

Gene: KMT2A (lysine methyltransferase 2A; plus strand). Cytogenetic location: 11q23.3.
Variant type: Deletion.
Coding change: c.8895_8897del on transcript NM_001197104.2 (MANE Select); coding-DNA positions 8895 to 8897, 3 bases deleted (CAC; older notation c.8895_8897delCAC).
Protein change: p.Thr2966del; deletes threonine 2966.
Molecular consequence: inframe deletion.
Genome position (GRCh38, 1-based): chr11:118,504,787-118,504,789, CAC deleted. VCF-style (leftmost placement, unchanged base first): chr11-118504786-TCAC-T. GRCh37 (hg19) VCF-style: chr11-118375501-TCAC-T.
Other names: c.8985_8987del, p.Thr2996del (NM_001412597.1); c.8886_8888del, p.Thr2963del (NM_005933.4); short protein forms T2966del, T2996del, T2963del.
Identifiers: ClinVar variation 2956379 (VCV002956379.3), dbSNP rs782624653, ClinGen allele CA6304534.